The following is an entry in ClinVar:

NM_206933.4(USH2A):c.7301-2A>C

Gene: USH2A (usherin; minus strand). Cytogenetic location: 1q41.
Variant type: single nucleotide variant.
Coding change: c.7301-2A>C on transcript NM_206933.4 (MANE Select); the canonical splice acceptor site of the intron before coding-DNA position 7301, A replaced by C.
Molecular consequence: splice acceptor variant.
Genome position (GRCh38, 1-based): chr1:215,900,907, T>G on the plus strand (A>C on the coding strand, the complement: USH2A is on the minus strand). VCF-style: chr1-215900907-T-G. GRCh37 (hg19) VCF-style: chr1-216074249-T-G.
Identifiers: ClinVar variation 2842425 (VCV002842425.3), dbSNP rs2464785543, ClinGen allele CA344850619.

ClinVar aggregate classification (germline): Pathogenic (1 of 4 stars; one submission).

Submission:

Labcorp Genetics (formerly Invitae), Labcorp
Classification: Pathogenic. Last evaluated: 2023-03-03. Review status: criteria provided, single submitter. Criteria: Invitae Variant Classification Sherloc (09022015). Collection method: clinical testing. Allele origin: germline.
Comment: For these reasons, this variant has been classified as Pathogenic. Algorithms developed to predict the effect of sequence changes on RNA splicing suggest that this variant may disrupt the consensus splice site. Disruption of this splice site has been observed in individuals with clinical features of retinitis pigmentosa (Invitae). This variant is not present in population databases (gnomAD no frequency). This sequence change affects an acceptor splice site in intron 38 of the USH2A gene. It is expected to disrupt RNA splicing. Variants that disrupt the donor or acceptor splice site typically lead to a loss of protein function (PMID: 16199547), and loss-of-function variants in USH2A are known to be pathogenic (PMID: 10729113, 10909849, 20507924, 25649381).

Literature cited by the submitters: PubMed 16199547; PubMed 10729113; PubMed 10909849; PubMed 20507924; PubMed 25649381.